The following is an entry in ClinVar:

ClinVar aggregate classification (germline): Likely benign. Review status: criteria provided, multiple submitters, no conflicts (2 of 4 stars). 5 submissions from 4 submitters: Likely benign (5). Last evaluated 2026-01-26.

Conditions:
Developmental and epileptic encephalopathy, 14 (DEE14). Also called: Early infantile epileptic encephalopathy 14. Identifiers: Orphanet 293181, MedGen C3554195, MONDO:0013989, OMIM 614959.
Autosomal dominant nocturnal frontal lobe epilepsy 5. Also called: Epilepsy, nocturnal frontal lobe, 5; CILIARY DYSKINESIA, PRIMARY, 28, WITHOUT SITUS INVERSUS; CILIARY DYSKINESIA, PRIMARY, 28, WITH SITUS INVERSUS; KCNT1-Related Epilepsy. Identifiers: Orphanet 98784, MedGen C3554306, MONDO:0014002, OMIM 615005.

Allele frequency attached by ClinVar (database versions not stated): ESP Exome Variant Server 0.00015; 1000 Genomes Project 30x 0.00016; gnomAD exomes 0.00017 and 0.00033; TOPMed 0.00017; gnomAD 0.00018 and 0.00019; ExAC 0.00019; 1000 Genomes Project 0.00020.
gnomAD v4.1: 524 of 1,610,846 alleles (0.033%); highest among the groups gnomAD compares: Non-Finnish European, 0.039%; no homozygotes.

Submissions (5):

Labcorp Genetics (formerly Invitae), Labcorp
Classification: Likely benign for Autosomal dominant nocturnal frontal lobe epilepsy 5; Developmental and epileptic encephalopathy, 14. Last evaluated: 2026-01-26. Review status: criteria provided, single submitter. Criteria: Invitae Variant Classification Sherloc (09022015). Collection method: clinical testing. Allele origin: germline.

Blueprint Genetics
Classification: Likely benign. Last evaluated: 2024-09-12. Review status: criteria provided, single submitter. Criteria: ACMG Guidelines, 2015. Collection method: clinical testing. Allele origin: germline.

Genome-Nilou Lab
Classification: Likely benign for Developmental and epileptic encephalopathy, 14. Last evaluated: 2022-03-15. Review status: criteria provided, single submitter. Criteria: ACMG Guidelines, 2015. Collection method: clinical testing. Allele origin: germline. Affected: no.

Genome-Nilou Lab
Classification: Likely benign for Autosomal dominant nocturnal frontal lobe epilepsy 5. Last evaluated: 2022-03-15. Review status: criteria provided, single submitter. Criteria: ACMG Guidelines, 2015. Collection method: clinical testing. Allele origin: germline. Affected: no.

GeneDx
Classification: Likely benign. Last evaluated: 2017-08-04. Review status: criteria provided, single submitter. Criteria: GeneDx Variant Classification (06012015). Collection method: clinical testing. Allele origin: germline. Affected: yes.
Comment: This variant is considered likely benign or benign based on one or more of the following criteria: it is a conservative change, it occurs at a poorly conserved position in the protein, it is predicted to be benign by multiple in silico algorithms, and/or has population frequency not consistent with disease.

NM_020822.3(KCNT1):c.3027+18C>T

Gene: KCNT1 (potassium sodium-activated channel subfamily T member 1; plus strand). Cytogenetic location: 9q34.3.
Variant type: single nucleotide variant.
Coding change: c.3027+18C>T on transcript NM_020822.3 (MANE Select); 18 bases into the intron after coding-DNA position 3027, C replaced by T.
Molecular consequence: intron variant.
Genome position (GRCh38, 1-based): chr9:135,784,636, C>T. VCF-style: chr9-135784636-C-T. GRCh37 (hg19) VCF-style: chr9-138676482-C-T.
Other names: c.2892+18C>T (NM_001272003.2).
Identifiers: ClinVar variation 383676 (VCV000383676.11), dbSNP rs369541323, ClinGen allele CA5327572.